The following is an entry in ClinVar:

ClinVar aggregate classification (germline): Pathogenic/Likely pathogenic. Review status: criteria provided, multiple submitters, no conflicts (2 of 4 stars). 6 submissions from 6 submitters: Pathogenic (3); Likely pathogenic (3). Last evaluated 2026-07-26.

Conditions:
COL9A2-related disorder. Also called: COL9A2-related condition.
Stickler syndrome, type 5 (STL5). Also called: COL9A2-Related Stickler Syndrome. Identifiers: Orphanet 250984, Orphanet 828, MedGen C3280342, MONDO:0013666, OMIM 614284.
Epiphyseal dysplasia, multiple, 2 (EDM2). Also called: COL9A2-Related Multiple Epiphyseal Dysplasia. Identifiers: MedGen C1838429, MONDO:0010844, OMIM 600204.

Submissions (6):

GeneDx
Classification: Likely pathogenic. Last evaluated: 2026-07-26. Review status: criteria provided, single submitter. Criteria: GeneDx Variant Classification Process June 2021. Collection method: clinical testing. Allele origin: germline.
Comment: Has not been previously published as pathogenic or benign to our knowledge; Not observed at significant frequency in large population cohorts (gnomAD); Frameshift variant predicted to result in protein truncation or nonsense mediated decay in a gene for which loss of function is a known mechanism of disease

Labcorp Genetics (formerly Invitae), Labcorp
Classification: Pathogenic. Last evaluated: 2026-01-07. Review status: criteria provided, single submitter. Criteria: Invitae Variant Classification Sherloc (09022015). Collection method: clinical testing. Allele origin: germline.
Comment: This sequence change creates a premature translational stop signal (p.Asn503Thrfs*28) in the COL9A2 gene. It is expected to result in an absent or disrupted protein product. Loss-of-function variants in COL9A2 are known to be pathogenic (PMID: 21671392, 33356723). This variant is present in population databases (no rsID available, gnomAD 0.003%). This variant has not been reported in the literature in individuals affected with COL9A2-related conditions. ClinVar contains an entry for this variant (Variation ID: 1194069). For these reasons, this variant has been classified as Pathogenic.

Women's Health and Genetics/Laboratory Corporation of America, LabCorp
Classification: Pathogenic for Epiphyseal dysplasia, multiple, 2. Last evaluated: 2023-12-08. Review status: criteria provided, single submitter. Criteria: LabCorp Variant Classification Summary - May 2015. Collection method: clinical testing. Allele origin: germline.
Comment: Variant summary: COL9A2 c.1506delG (p.Asn503ThrfsX28) results in a premature termination codon, predicted to cause a truncation of the encoded protein or absence of the protein due to nonsense mediated decay, which are commonly known mechanisms for disease. This variant may be associated with dominant Epiphyseal dysplasia, multiple, 2 or recessive Stickler syndrome, type V. The variant allele was found at a frequency of 1.3e-05 in 237454 control chromosomes. To our knowledge, no occurrence of c.1506delG in individuals affected with Epiphyseal dysplasia, multiple, 2 or Stickler syndrome, type V, and no experimental evidence demonstrating its impact on protein function have been reported. Two submitters have cited clinical-significance assessments for this variant to ClinVar after 2014. All submitters classified the variant as pathogenic/likely pathogenic. Based on the evidence outlined above, the variant was classified as pathogenic.

Clinical Genomics Laboratory, Washington University in St. Louis
Classification: Pathogenic for Stickler syndrome, type 5. Last evaluated: 2023-10-02. Review status: criteria provided, single submitter. Criteria: ACMG Guidelines, 2015. Collection method: clinical testing. Allele origin: germline. Affected: yes.
Comment: The COL9A2 c.1506del (p.Asn503ThrfsTer28) variant, to our knowledge, has not been reported in the medical literature but has been reported in the ClinVar database as a germline pathogenic or likely pathogenic variant by two submitters. This variant is only observed on 3/237,454 alleles in the general population (gnomAD v.2.1.1), indicating it is not a common variant. This variant causes a frameshift by deleting a single nucleotide, leading to a premature termination codon, which is predicted to lead to nonsense mediated decay. Additionally, other variants that introduce a premature termination codon downstream of this variant have been described in affected individuals and are considered pathogenic (ClinVar database; Nixon TRW et al., PMID: 31090205). Based on available information and the ACMG/AMP guidelines for variant interpretation (Richards S et al., PMID: 25741868), this variant is classified as pathogenic.

Department of Pathology and Laboratory Medicine, Sinai Health System
Classification: Likely pathogenic for Epiphyseal dysplasia, multiple, 2; Stickler syndrome, type 5. Last evaluated: 2023-01-04. Review status: criteria provided, single submitter. Criteria: ACMG Guidelines, 2015. Collection method: research. Allele origin: germline.

Blueprint Genetics
Classification: Likely pathogenic for COL9A2-related disorders. Last evaluated: 2022-12-27. Review status: criteria provided, single submitter. Criteria: ACMG Guidelines, 2015. Collection method: clinical testing. Allele origin: de novo. Affected: yes. Observed: 3 variant alleles.

Literature cited by the submitters: PubMed 21671392 (cited by Labcorp Genetics (formerly Invitae), Labcorp); PubMed 33356723 (cited by Labcorp Genetics (formerly Invitae), Labcorp).

NM_001852.4(COL9A2):c.1506del (p.Asn503fs)

Gene: COL9A2 (collagen type IX alpha 2 chain; minus strand). Cytogenetic location: 1p34.2.
Variant type: Deletion.
Coding change: c.1506del on transcript NM_001852.4 (MANE Select); coding-DNA position 1506, one base deleted (G; older notation c.1506delG).
Protein change: p.Asn503fs; shifts the reading frame from asparagine 503.
Molecular consequence: frameshift variant.
Genome position (GRCh38, 1-based): chr1:40,303,572, C deleted on the plus strand (G on the coding strand, the reverse complement: COL9A2 is on the minus strand); the first of 3 consecutive C bases (chr1:40,303,572-40,303,574); deleting any one gives the same sequence. VCF-style (leftmost placement, unchanged base first): chr1-40303571-TC-T. GRCh37 (hg19) VCF-style: chr1-40769243-TC-T.
Other names: c.1506delG (NM_001852.4, NM_001852.3); short protein forms N503fs.
Identifiers: ClinVar variation 1194069 (VCV001194069.15), dbSNP rs1040081238, ClinGen allele CA21041275.